The following is an entry in ClinVar:

ClinVar aggregate classification (germline): Uncertain significance (1 of 4 stars; one submission).

gnomAD v4.1: 1 of 1,607,806 alleles (0.000062%); highest among the groups gnomAD compares: Non-Finnish European, 0.000085%; no homozygotes.

Submission:

Dasa
Classification: Uncertain significance. Last evaluated: 2025-02-23. Review status: criteria provided, single submitter. Criteria: DASA Assertion Criteria. Collection method: clinical testing. Allele origin: germline.
Comment: NM_001042424.3(NSD2):c.4013C>T (p.Thr1338Ile) is a missense variant that results in the substitution of threonine with isoleucine. This variant is rare in population databases. The currently available literature and clinical evidence are not sufficient to establish a definitive association between this variant and the reported condition. Therefore, this variant is classified as a variant of uncertain significance.

NM_001042424.3(NSD2):c.4013C>T (p.Thr1338Ile)

Gene: NSD2 (nuclear receptor binding SET domain protein 2; plus strand). Cytogenetic location: 4p16.3.
Variant type: single nucleotide variant.
Coding change: c.4013C>T on transcript NM_001042424.3 (MANE Select); coding-DNA position 4013, C replaced by T.
Protein change: p.Thr1338Ile; replaces threonine 1338 with isoleucine.
Molecular consequence: missense variant.
Genome position (GRCh38, 1-based): chr4:1,978,824, C>T. VCF-style: chr4-1978824-C-T. GRCh37 (hg19) VCF-style: chr4-1980551-C-T.
Other names: c.4013C>T, p.Thr1338Ile (NM_001440892.1, NM_133330.3, NM_133331.3 and 1 more transcripts); c.4112C>T, p.Thr1371Ile (NM_001440893.1); c.3896C>T, p.Thr1299Ile (NM_001440894.1); c.3866C>T, p.Thr1289Ile (NM_001440895.1); c.3812C>T, p.Thr1271Ile (NM_001440896.1); c.3806C>T, p.Thr1269Ile (NM_001440897.1); c.3689C>T, p.Thr1230Ile (NM_001440898.1); c.3044C>T, p.Thr1015Ile (NM_001440899.1, NM_001440900.1); short protein forms T1015I, T1230I, T1269I, T1271I, T1289I, T1299I, T1338I, T1371I.
Identifiers: ClinVar variation 4886602 (VCV004886602.2).